The following is an entry in ClinVar:

NM_003982.4(SLC7A7):c.1381_1384dup (p.Arg462fs)

Gene: SLC7A7 (solute carrier family 7 member 7; minus strand). Cytogenetic location: 14q11.2.
Variant type: Duplication.
Coding change: c.1381_1384dup on transcript NM_003982.4 (MANE Select); coding-DNA positions 1381 to 1384, 4 bases duplicated (ATCA; older notation c.1381_1384dupATCA).
Protein change: p.Arg462fs; shifts the reading frame from arginine 462.
Molecular consequence: frameshift variant.
Genome position (GRCh38, 1-based): chr14:22,773,978-22,773,981, TGAT duplicated on the plus strand (ATCA on the coding strand, the reverse complement: SLC7A7 is on the minus strand). VCF-style (leftmost placement, unchanged base first): chr14-22773977-C-CTGAT. GRCh37 (hg19) VCF-style: chr14-23243186-C-CTGAT.
Other names: c.1381_1384dup, p.Arg462fs (NM_001126105.3, NM_001126106.4); c.1381_1384dupATCA (NM_001126105.2); c.1381_1384dup (NM_001126106.2); short protein forms R462fs.
Identifiers: ClinVar variation 56357 (VCV000056357.5), dbSNP rs386833805, ClinGen allele CA263788.

ClinVar aggregate classification (germline): Likely pathogenic. Review status: criteria provided, single submitter (1 of 4 stars). 4 submissions from 4 submitters: Likely pathogenic (1). 3 of the submissions do not count toward it. Last evaluated 2024-02-01.

Conditions:
Lysinuric protein intolerance (LPI). Identifiers: Orphanet 470, MedGen C0268647, MONDO:0009109, OMIM 222700.

Allele frequency attached by ClinVar (database versions not stated): gnomAD exomes below 0.00001; ExAC 0.00001.

Submissions (4):

Fulgent Genetics
Classification: Likely pathogenic for Lysinuric protein intolerance. Last evaluated: 2024-02-01. Review status: criteria provided, single submitter. Criteria: ACMG Guidelines, 2015. Collection method: clinical testing. Allele origin: germline.

OMIM
Classification: Pathogenic for LYSINURIC PROTEIN INTOLERANCE. Last evaluated: 2008-01-01. Review status: no assertion criteria provided. Collection method: literature only. Allele origin: germline. Not counted in ClinVar's aggregate classification.

GeneReviews
No classification provided. Condition: Lysinuric protein intolerance. Review status: no classification provided. Collection method: literature only. Allele origin: germline. Not counted in ClinVar's aggregate classification.

Juha Muilu Group; Institute for Molecular Medicine Finland (FIMM)
Classification: Likely pathogenic for Lysinuric protein intolerance. Review status: no assertion criteria provided. Collection method: not provided. Allele origin: unknown. Not counted in ClinVar's aggregate classification.
Comment: FinDis database variant: This variant was not found or characterized by our laboratory, data were collected from public sources: see reference
ClinVar note: Converted during submission from probable-pathogenic to Likely pathogenic.

Literature cited by the submitters: PubMed 10080183 (cited by OMIM); PubMed 17764084 (cited by OMIM); NCBI Bookshelf NBK1361 (cited by GeneReviews); PubMed 20301535 (cited by GeneReviews).